The following is an entry in ClinVar:

NM_006767.4(LZTR1):c.1516C>A (p.Pro506Thr)

Gene: LZTR1 (leucine zipper like post translational regulator 1; plus strand). Cytogenetic location: 22q11.21.
Variant type: single nucleotide variant.
Coding change: c.1516C>A on transcript NM_006767.4 (MANE Select); coding-DNA position 1516, C replaced by A.
Protein change: p.Pro506Thr; replaces proline 506 with threonine.
Molecular consequence: missense variant.
Genome position (GRCh38, 1-based): chr22:20,994,170, C>A. VCF-style: chr22-20994170-C-A. GRCh37 (hg19) VCF-style: chr22-21348459-C-A.
Other names: short protein forms P506T.
Identifiers: ClinVar variation 3661174 (VCV003661174.2).

ClinVar aggregate classification (germline): Uncertain significance (1 of 4 stars; one submission).

Submission:

Labcorp Genetics (formerly Invitae), Labcorp
Classification: Uncertain significance. Last evaluated: 2024-08-14. Review status: criteria provided, single submitter. Criteria: Invitae Variant Classification Sherloc (09022015). Collection method: clinical testing. Allele origin: germline.
Comment: This sequence change replaces proline, which is neutral and non-polar, with threonine, which is neutral and polar, at codon 506 of the LZTR1 protein (p.Pro506Thr). This variant is not present in population databases (gnomAD no frequency). This variant has not been reported in the literature in individuals affected with LZTR1-related conditions. Invitae Evidence Modeling of protein sequence and biophysical properties (such as structural, functional, and spatial information, amino acid conservation, physicochemical variation, residue mobility, and thermodynamic stability) indicates that this missense variant is not expected to disrupt LZTR1 protein function with a negative predictive value of 80%. In summary, the available evidence is currently insufficient to determine the role of this variant in disease. Therefore, it has been classified as a Variant of Uncertain Significance.